The following is an entry in ClinVar:

NM_001035.3(RYR2):c.10699C>T (p.Arg3567Cys)

Gene: RYR2 (ryanodine receptor 2; plus strand). Cytogenetic location: 1q43.
Variant type: single nucleotide variant.
Coding change: c.10699C>T on transcript NM_001035.3 (MANE Select); coding-DNA position 10699, C replaced by T.
Protein change: p.Arg3567Cys; replaces arginine 3567 with cysteine.
Molecular consequence: missense variant.
Genome position (GRCh38, 1-based): chr1:237,726,282, C>T. VCF-style: chr1-237726282-C-T. GRCh37 (hg19) VCF-style: chr1-237889582-C-T.
Other names: c.10699C>T, p.Arg3567Cys (LRG_402t1); short protein forms R3567C.
Identifiers: ClinVar variation 191488 (VCV000191488.62), dbSNP rs559154874, ClinGen allele CA006749.

ClinVar aggregate classification (germline): Conflicting classifications of pathogenicity. Review status: criteria provided, conflicting classifications (1 of 4 stars). 8 submissions from 8 submitters: Uncertain significance (3); Likely benign (4). 1 of the submissions does not count toward it. Last evaluated 2026-08-07.

Conditions:
RYR2-related disorder. Also called: RYR2-related condition.
Cardiovascular phenotype. Identifiers: MedGen CN230736.
Cardiomyopathy (CMYO). Also called: Cardiomyopathies. Identifiers: Orphanet 167848, MedGen C0878544, MONDO:0004994, HP:0001638. Inheritance: Various modes of inheritance.
Catecholaminergic polymorphic ventricular tachycardia 1. Also called: VENTRICULAR TACHYCARDIA, CATECHOLAMINERGIC POLYMORPHIC, 1, WITH OR WITHOUT ATRIAL DYSFUNCTION AND/OR DILATED CARDIOMYOPATHY; RYR2-Related Catecholaminergic Polymorphic Ventricular Tachycardia; VENTRICULAR TACHYCARDIA, STRESS-INDUCED POLYMORPHIC 1. Identifiers: Orphanet 3286, MedGen C1631597, MONDO:0011484, OMIM 604772.

Allele frequency attached by ClinVar (database versions not stated): gnomAD exomes 0.00007; 1000 Genomes Project 0.00020; TOPMed 0.00003; ExAC 0.00004; gnomAD 0.00005 and 0.00004.
gnomAD v4.1: 53 of 1,585,198 alleles (0.0033%); highest among the groups gnomAD compares: Middle Eastern, 0.017%; no homozygotes.

Submissions (8):

GeneDx
Classification: Uncertain significance. Last evaluated: 2026-08-07. Review status: criteria provided, single submitter. Criteria: GeneDx Variant Classification Process June 2021. Collection method: clinical testing. Allele origin: germline.
Comment: Not located in one of the three hot-spot regions of the RYR2 gene, where the majority of pathogenic missense variants occur (PMID: 19926015); In silico analysis suggests that this missense variant does not alter protein structure/function; Reported in association with cyclic vomiting syndrome (PMID: 37234784) but has not been published in association with a known RYR2-related disorder to our knowledge; This variant is associated with the following publications: (PMID: 37234784, 19926015)

Women's Health and Genetics/Laboratory Corporation of America, LabCorp
Classification: Likely benign. Last evaluated: 2026-01-11. Review status: criteria provided, single submitter. Criteria: LabCorp Variant Classification Summary - May 2015. Collection method: clinical testing. Allele origin: germline.
Comment: Variant summary: RYR2 c.10699C>T (p.Arg3567Cys) results in a non-conservative amino acid change in the encoded protein sequence. Algorithms developed to predict the effect of missense changes on protein structure and function are either unavailable or do not agree on the potential impact of this missense change. The variant allele was found at a frequency of 7.2e-05 in 223430 control chromosomes. The observed variant frequency exceeds the estimated maximal expected allele frequency for disease-causing variants in RYR2. To our knowledge, no occurrence of c.10699C>T in individuals affected with RYR2-related conditions and no experimental evidence demonstrating its impact on protein function have been reported. ClinVar contains an entry for this variant (Variation ID: 191488). Based on the evidence outlined above, the variant was classified as likely benign.

Labcorp Genetics (formerly Invitae), Labcorp
Classification: Likely benign for Catecholaminergic polymorphic ventricular tachycardia 1. Last evaluated: 2025-12-23. Review status: criteria provided, single submitter. Criteria: Invitae Variant Classification Sherloc (09022015). Collection method: clinical testing. Allele origin: germline.

Color Diagnostics, LLC DBA Color Health
Classification: Likely benign for Cardiomyopathy. Last evaluated: 2024-09-04. Review status: criteria provided, single submitter. Criteria: ACMG Guidelines, 2015. Collection method: clinical testing. Allele origin: germline.

Ambry Genetics
Classification: Likely benign for Cardiovascular phenotype. Last evaluated: 2024-01-24. Review status: criteria provided, single submitter. Criteria: Ambry Variant Classification Scheme 2023. Collection method: clinical testing. Allele origin: germline.

Eurofins Ntd Llc (ga)
Classification: Uncertain significance. Last evaluated: 2016-05-02. Review status: criteria provided, single submitter. Criteria: EGL Classification Definitions 2015. Collection method: clinical testing. Allele origin: germline. Observed: 1 variant allele, 1 heterozygote.

Biesecker Lab/Clinical Genomics Section, National Institutes of Health
Classification: Uncertain significance. Last evaluated: 2013-06-24. Review status: criteria provided, single submitter. Criteria: Ng et al. (Circ Cardiovasc Genet. 2013). Collection method: research. Allele origin: unknown. Observed: 1 variant allele. Study: ClinSeq.
Comment: The study set was not selected for affection status in relation to any cancer. Pathogenicity categories were based on literature curation. See Pubmed ID:23861362 for details.

Medical sequencing

PreventionGenetics, part of Exact Sciences
Classification: Likely benign for RYR2-related condition. Last evaluated: 2024-04-30. Review status: no assertion criteria provided. Collection method: clinical testing. Allele origin: germline. Not counted in ClinVar's aggregate classification.
Comment: This variant is classified as likely benign based on ACMG/AMP sequence variant interpretation guidelines (Richards et al. 2015 PMID: 25741868, with internal and published modifications).